The following is an entry in ClinVar:

ClinVar aggregate classification (germline): Uncertain significance. Review status: criteria provided, multiple submitters, no conflicts (2 of 4 stars). 4 submissions from 4 submitters: Uncertain significance (4). Last evaluated 2024-11-21.

Conditions:
Fanconi anemia complementation group A (FANCA). Also called: Fanconi anemia, group A; FANCA-Related Fanconi Anemia. Identifiers: Orphanet 84, MedGen C3469521, MONDO:0009215, OMIM 227650.
Inborn genetic diseases. Identifiers: MedGen C0950123, MeSH D030342.
Fanconi anemia (FA). Also called: Fanconi's anemia. Identifiers: Orphanet 84, MedGen C0015625, MeSH D005199, MONDO:0019391.

Allele frequency attached by ClinVar (database versions not stated): TOPMed below 0.00001; ExAC 0.00001; gnomAD 0.00001; gnomAD exomes 0.00002.
gnomAD v4.1: 11 of 1,613,788 alleles (0.00068%); highest among the groups gnomAD compares: Admixed American, 0.0033%; no homozygotes.

Submissions (4):

Ambry Genetics
Classification: Uncertain significance for Inborn genetic diseases. Last evaluated: 2024-11-21. Review status: criteria provided, single submitter. Criteria: Ambry Variant Classification Scheme 2023. Collection method: clinical testing. Allele origin: germline.
Comment: The p.L74V variant (also known as c.220C>G), located in coding exon 3 of the FANCA gene, results from a C to G substitution at nucleotide position 220. The leucine at codon 74 is replaced by valine, an amino acid with highly similar properties. This amino acid position is conserved. In addition, this alteration is predicted to be tolerated by in silico analysis. Based on the available evidence, the clinical significance of this variant remains unclear.

Labcorp Genetics (formerly Invitae), Labcorp
Classification: Uncertain significance for Fanconi anemia. Last evaluated: 2022-05-25. Review status: criteria provided, single submitter. Criteria: Invitae Variant Classification Sherloc (09022015). Collection method: clinical testing. Allele origin: germline.
Comment: This sequence change replaces leucine, which is neutral and non-polar, with valine, which is neutral and non-polar, at codon 74 of the FANCA protein (p.Leu74Val). This variant is present in population databases (rs770294560, gnomAD 0.02%). This variant has not been reported in the literature in individuals affected with FANCA-related conditions. ClinVar contains an entry for this variant (Variation ID: 1336856). Advanced modeling of protein sequence and biophysical properties (such as structural, functional, and spatial information, amino acid conservation, physicochemical variation, residue mobility, and thermodynamic stability) performed at Invitae indicates that this missense variant is not expected to disrupt FANCA protein function. In summary, the available evidence is currently insufficient to determine the role of this variant in disease. Therefore, it has been classified as a Variant of Uncertain Significance.

Fulgent Genetics
Classification: Uncertain significance for Fanconi anemia complementation group A. Last evaluated: 2022-04-14. Review status: criteria provided, single submitter. Criteria: ACMG Guidelines, 2015. Collection method: clinical testing. Allele origin: unknown.

Genetic Services Laboratory, University of Chicago
Classification: Uncertain significance. Last evaluated: 2018-10-02. Review status: criteria provided, single submitter. Criteria: ACMG Guidelines, 2015. Collection method: clinical testing. Allele origin: germline. Affected: no.

NM_000135.4(FANCA):c.220C>G (p.Leu74Val)

Gene: FANCA (FA complementation group A; minus strand). Cytogenetic location: 16q24.3.
Variant type: single nucleotide variant.
Coding change: c.220C>G on transcript NM_000135.4 (MANE Select); coding-DNA position 220, C replaced by G.
Protein change: p.Leu74Val; replaces leucine 74 with valine.
Molecular consequence: missense variant.
Genome position (GRCh38, 1-based): chr16:89,814,583, G>C on the plus strand (C>G on the coding strand, the complement: FANCA is on the minus strand). VCF-style: chr16-89814583-G-C. GRCh37 (hg19) VCF-style: chr16-89880991-G-C.
Other names: c.220C>G, p.Leu74Val (NM_001018112.3, NM_001286167.3, NM_001351830.2); short protein forms L74V.
Identifiers: ClinVar variation 1336856 (VCV001336856.10), dbSNP rs770294560, ClinGen allele CA8253111.